The following is an entry in ClinVar:

NM_001365951.3(KIF1B):c.435C>G (p.Ser145Arg)

Gene: KIF1B (kinesin family member 1B; plus strand). Cytogenetic location: 1p36.22.
Variant type: single nucleotide variant.
Coding change: c.435C>G on transcript NM_001365951.3 (MANE Select); coding-DNA position 435, C replaced by G.
Protein change: p.Ser145Arg; replaces serine 145 with arginine.
Molecular consequence: missense variant.
Genome position (GRCh38, 1-based): chr1:10,267,385, C>G. VCF-style: chr1-10267385-C-G. GRCh37 (hg19) VCF-style: chr1-10327443-C-G.
Other names: c.435C>G, p.Ser145Arg (NM_001365952.1, NM_001365953.1, NM_015074.3 and 1 more transcripts); short protein forms S145R.
Identifiers: ClinVar variation 2448732 (VCV002448732.2), dbSNP rs2521041258, ClinGen allele CA338328694.
Genomic context (GRCh38, chr1:10,267,385, plus strand): 5'-GCTTCTGTATGTGATTTCTTTTTCACTCTAATTCACTTTACTAATTTGTTCATAGGTGAG[C>G]TACATGGAAATTTACTGTGAAAGAGTACGAGATTTGCTGAATCCAAAAAACAAGGGTAAT-3'
Protein context (NP_001352880.1, residues 135-155): NEEMSYSVEV[Ser145Arg]YMEIYCERVR

ClinVar aggregate classification (germline): Uncertain significance (1 of 4 stars; one submission).

Submission:

Ambry Genetics
Classification: Uncertain significance. Last evaluated: 2022-12-18. Review status: criteria provided, single submitter. Criteria: Ambry Variant Classification Scheme 2023. Collection method: clinical testing. Allele origin: germline.
Comment: The p.S145R variant (also known as c.435C>G), located in coding exon 5 of the KIF1B gene, results from a C to G substitution at nucleotide position 435. The serine at codon 145 is replaced by arginine, an amino acid with dissimilar properties. This amino acid position is conserved. In addition, this alteration is predicted to be deleterious by in silico analysis. Since supporting evidence is limited at this time, the clinical significance of this alteration remains unclear.